The following is an entry in ClinVar:

NM_006614.4(CHL1):c.3564T>C (p.His1188=)

Gene: CHL1 (cell adhesion molecule L1 like; plus strand). Cytogenetic location: 3p26.3.
Variant type: single nucleotide variant.
Coding change: c.3564T>C on transcript NM_006614.4 (MANE Select); coding-DNA position 3564, T replaced by C.
Protein change: p.His1188=; no amino-acid change (histidine 1188 retained).
Molecular consequence: synonymous variant.
Genome position (GRCh38, 1-based): chr3:405,600, T>C. VCF-style: chr3-405600-T-C. GRCh37 (hg19) VCF-style: chr3-447283-T-C.
Other names: c.3516T>C, p.His1172= (NM_001253387.2); c.3405T>C, p.His1135= (NM_001253388.1).
Identifiers: ClinVar variation 3047973 (VCV003047973.2), dbSNP rs558397339, ClinGen allele CA2225530.

ClinVar aggregate classification (germline): Likely benign (0 of 4 stars; one submission).

Conditions:
CHL1-related disorder. Also called: CHL1-related condition.

Allele frequency attached by ClinVar (database versions not stated): ExAC 0.00049; 1000 Genomes Project 30x 0.00094; 1000 Genomes Project 0.00120.
gnomAD v4.1: 259 of 1,613,482 alleles (0.016%); highest among the groups gnomAD compares: South Asian, 0.27%; 3 homozygotes.

Submission:

PreventionGenetics, part of Exact Sciences
Classification: Likely benign for CHL1-related condition. Last evaluated: 2019-11-16. Review status: no assertion criteria provided. Collection method: clinical testing. Allele origin: germline.
Comment: This variant is classified as likely benign based on ACMG/AMP sequence variant interpretation guidelines (Richards et al. 2015 PMID: 25741868, with internal and published modifications).